The following is an entry in ClinVar:

NM_001244008.2(KIF1A):c.882+6C>T

Gene: KIF1A (kinesin family member 1A; minus strand). Cytogenetic location: 2q37.3.
Variant type: single nucleotide variant.
Coding change: c.882+6C>T on transcript NM_001244008.2 (MANE Select); 6 bases into the intron after coding-DNA position 882, C replaced by T.
Molecular consequence: intron variant.
Genome position (GRCh38, 1-based): chr2:240,782,584, G>A on the plus strand (C>T on the coding strand, the complement: KIF1A is on the minus strand). VCF-style: chr2-240782584-G-A. GRCh37 (hg19) VCF-style: chr2-241722001-G-A.
Other names: c.882+6C>T (NM_001379653.1, NM_001379650.1, NM_001379645.1 and 20 more transcripts).
Identifiers: ClinVar variation 532909 (VCV000532909.8), dbSNP rs1290737564, ClinGen allele CA540531891.
Genomic context (GRCh38, chr2:240,782,584, plus strand): 5'-CCAATGCAGGGCAGACACCGCCACCAGCCTCCCGCACCTGCCCCGGGGCTGAAGGAAGCC[G>A]CTTACCTTGTTGGGTCCGGAGTCCTGAAAAGGAAAAGACAGAGAGAGGCTGAGGCCCGGA-3'

ClinVar aggregate classification (germline): Uncertain significance. Review status: criteria provided, multiple submitters, no conflicts (2 of 4 stars). 2 submissions from 2 submitters: Uncertain significance (2). Last evaluated 2025-11-25.

Conditions:
Neuropathy, hereditary sensory, type 2C. Also called: KIF1A-Related HSAN2 (HSAN2C); Hereditary sensory and autonomic neuropathy type IIC. Identifiers: Orphanet 970, MedGen C3280168, MONDO:0013634, OMIM 614213.
Intellectual disability, autosomal dominant 9 (NESCAVS). Also called: NESCAV SYNDROME; KIF1A-Related Neurodevelopmental Disorder. Identifiers: Orphanet 662367, MedGen C5393830, MONDO:0013656, OMIM 614255.
Hereditary spastic paraplegia 30. Identifiers: Orphanet 101010, MedGen C5235139, MONDO:0012476.

Allele frequency attached by ClinVar (database versions not stated): TOPMed 0.00002; gnomAD 0.00006.
gnomAD v4.1: 32 of 1,552,342 alleles (0.0021%); highest among the groups gnomAD compares: Non-Finnish European, 0.0026%; no homozygotes.

Submissions (2):

Labcorp Genetics (formerly Invitae), Labcorp
Classification: Uncertain significance for Hereditary spastic paraplegia 30; Neuropathy, hereditary sensory, type 2C; Intellectual disability, autosomal dominant 9. Last evaluated: 2025-11-25. Review status: criteria provided, single submitter. Criteria: Invitae Variant Classification Sherloc (09022015). Collection method: clinical testing. Allele origin: germline.
Comment: This sequence change falls in intron 9 of the KIF1A gene. It does not directly change the encoded amino acid sequence of the KIF1A protein. It affects a nucleotide within the consensus splice site. The frequency data for this variant in the population databases is considered unreliable, as metrics indicate poor data quality at this position in the gnomAD database. This variant has not been reported in the literature in individuals affected with KIF1A-related conditions. ClinVar contains an entry for this variant (Variation ID: 532909). Variants that disrupt the consensus splice site are a relatively common cause of aberrant splicing (PMID: 17576681, 9536098). Algorithms developed to predict the effect of sequence changes on RNA splicing suggest that this variant is not likely to affect RNA splicing. In summary, the available evidence is currently insufficient to determine the role of this variant in disease. Therefore, it has been classified as a Variant of Uncertain Significance.

Women's Health and Genetics/Laboratory Corporation of America, LabCorp
Classification: Uncertain significance. Last evaluated: 2024-11-06. Review status: criteria provided, single submitter. Criteria: LabCorp Variant Classification Summary - May 2015. Collection method: clinical testing. Allele origin: germline.
Comment: Variant summary: KIF1A c.882+6C>T alters a non-conserved nucleotide located close to a canonical splice site and therefore could affect mRNA splicing, leading to a significantly altered protein sequence. Consensus agreement among computation tools predict no significant impact on normal splicing. However, these predictions have yet to be confirmed by functional studies. The variant allele was found at a frequency of 1.3e-05 in 158602 control chromosomes (gnomAD). The available data on variant occurrences in the general population are insufficient to allow any conclusion about variant significance. To our knowledge, no occurrence of c.882+6C>T in individuals affected with Neuropathy, hereditary sensory, type 2C and no experimental evidence demonstrating its impact on protein function have been reported. ClinVar contains an entry for this variant (Variation ID: 532909). Based on the evidence outlined above, the variant was classified as uncertain significance.

Literature cited by the submitters: PubMed 17576681 (cited by Labcorp Genetics (formerly Invitae), Labcorp); PubMed 9536098 (cited by Labcorp Genetics (formerly Invitae), Labcorp).